The following is an entry in ClinVar:

NM_003742.4(ABCB11):c.409G>T (p.Glu137Ter)

Gene: ABCB11 (ATP binding cassette subfamily B member 11; minus strand). Cytogenetic location: 2q31.1.
Variant type: single nucleotide variant.
Coding change: c.409G>T on transcript NM_003742.4 (MANE Select); coding-DNA position 409, G replaced by T.
Protein change: p.Glu137Ter; replaces glutamic acid 137 with a stop codon.
Molecular consequence: nonsense.
Genome position (GRCh38, 1-based): chr2:168,996,703, C>A on the plus strand (G>T on the coding strand, the complement: ABCB11 is on the minus strand). VCF-style: chr2-168996703-C-A. GRCh37 (hg19) VCF-style: chr2-169853213-C-A.
Other names: c.409G>T, p.Glu137Ter (LRG_1199t1); short protein forms E137*.
Identifiers: ClinVar variation 593441 (VCV000593441.11), dbSNP rs1026511416, ClinGen allele CA349132826.

ClinVar aggregate classification (germline): Pathogenic. Review status: criteria provided, multiple submitters, no conflicts (2 of 4 stars). 4 submissions from 4 submitters: Pathogenic (4). Last evaluated 2026-04-14.

Conditions:
Benign recurrent intrahepatic cholestasis type 2 (BRIC2). Also called: Recurrent familial intrahepatic cholestasis 2. Identifiers: Orphanet 65682, Orphanet 99961, MedGen C2608083, MONDO:0011559, OMIM 605479.
Familial intrahepatic cholestasis. Identifiers: Orphanet 284385, MedGen CN296401, MONDO:0017290.

Allele frequency attached by ClinVar (database versions not stated): TOPMed 0.00001.
gnomAD v4.1: 3 of 1,563,266 alleles (0.00019%); highest among the groups gnomAD compares: Non-Finnish European, 0.00026%; no homozygotes.

Submissions (4):

Genomenon, Inc
Classification: Pathogenic for Familial intrahepatic cholestasis. Last evaluated: 2026-04-14. Review status: criteria provided, single submitter. Criteria: Genomenon Sequence Variant Interpretation Standards - Updated. Collection method: curation. Allele origin: germline. Affected: yes.
Comment: ABCB11 p.Glu137Ter (c.409G>T) is a nonsense variant that introduces a premature stop codon at amino acid position 137, creating a truncated protein that is predicted to undergo nonsense-mediated mRNA decay. This variant has been observed in at least one proband with an ABCB11-related disorder (PMID:34016879). It is absent or not present at a significant frequency in gnomAD. In conclusion, we classify ABCB11 p.Glu137Ter (c.409G>T) as a pathogenic variant.

Baylor Genetics
Classification: Pathogenic for Benign recurrent intrahepatic cholestasis type 2. Last evaluated: 2023-09-02. Review status: criteria provided, single submitter. Criteria: ACMG Guidelines, 2015. Collection method: clinical testing. Allele origin: unknown.

Labcorp Genetics (formerly Invitae), Labcorp
Classification: Pathogenic. Last evaluated: 2022-03-15. Review status: criteria provided, single submitter. Criteria: Invitae Variant Classification Sherloc (09022015). Collection method: clinical testing. Allele origin: germline.
Comment: For these reasons, this variant has been classified as Pathogenic. Algorithms developed to predict the effect of sequence changes on RNA splicing suggest that this variant may disrupt the consensus splice site. ClinVar contains an entry for this variant (Variation ID: 593441). This premature translational stop signal has been observed in individual(s) with cholestasis (PMID: 34016879). This variant is not present in population databases (gnomAD no frequency). This sequence change creates a premature translational stop signal (p.Glu137*) in the ABCB11 gene. It is expected to result in an absent or disrupted protein product. Loss-of-function variants in ABCB11 are known to be pathogenic (PMID: 18395098, 20232290).

Eurofins Ntd Llc (ga)
Classification: Pathogenic. Last evaluated: 2017-07-27. Review status: criteria provided, single submitter. Criteria: EGL Classification Definitions 2015. Collection method: clinical testing. Allele origin: germline. Observed: 1 variant allele, 1 heterozygote.

Literature cited by the submitters: PubMed 34016879 (cited by Genomenon, Inc and Labcorp Genetics (formerly Invitae), Labcorp); PubMed 18395098 (cited by Labcorp Genetics (formerly Invitae), Labcorp); PubMed 20232290 (cited by Labcorp Genetics (formerly Invitae), Labcorp).